The following is an entry in ClinVar:

NM_000441.2(SLC26A4):c.2005_2006dup (p.Asp669fs)

Gene: SLC26A4 (solute carrier family 26 member 4; plus strand). Cytogenetic location: 7q22.3.
Variant type: Duplication.
Coding change: c.2005_2006dup on transcript NM_000441.2 (MANE Select); coding-DNA positions 2005 to 2006, 2 bases duplicated (GA; older notation c.2005_2006dupGA).
Protein change: p.Asp669fs; shifts the reading frame from aspartic acid 669.
Molecular consequence: frameshift variant.
Genome position (GRCh38, 1-based): chr7:107,702,028-107,702,029, GA duplicated. VCF-style (leftmost placement, unchanged base first): chr7-107702027-G-GGA. GRCh37 (hg19) VCF-style: chr7-107342472-G-GGA.
Other names: short protein forms D669fs.
Identifiers: ClinVar variation 2107131 (VCV002107131.4), dbSNP rs1315372184, ClinGen allele CA831169634.
Genomic context (GRCh38, chr7:107,702,027, plus strand): 5'-GAACGTTCCCAAAGTGCCAATCCATAGCCTTGTGCTTGACTGTGGAGCTATATCTTTCCT[G>GGA]GACGTTGTTGGAGTGAGATCACTGCGGGTGGTAAGGTTCTGGTTTTCTGAATTATACATT-3'

ClinVar aggregate classification (germline): Pathogenic (1 of 4 stars; one submission).

Allele frequency attached by ClinVar (database versions not stated): TOPMed below 0.00001; gnomAD 0.00001.

Submission:

Labcorp Genetics (formerly Invitae), Labcorp
Classification: Pathogenic. Last evaluated: 2022-04-01. Review status: criteria provided, single submitter. Criteria: Invitae Variant Classification Sherloc (09022015). Collection method: clinical testing. Allele origin: germline.
Comment: This sequence change creates a premature translational stop signal (p.Asp669Glufs*6) in the SLC26A4 gene. It is expected to result in an absent or disrupted protein product. Loss-of-function variants in SLC26A4 are known to be pathogenic (PMID: 16283880, 25394566, 26252218, 26445815). This variant is not present in population databases (gnomAD no frequency). This variant has not been reported in the literature in individuals affected with SLC26A4-related conditions. For these reasons, this variant has been classified as Pathogenic.

Literature cited by the submitters: PubMed 16283880; PubMed 25394566; PubMed 26252218; PubMed 26445815.